The following is an entry in ClinVar:

NM_000138.5(FBN1):c.1867_1868delinsCT (p.Cys623Leu)

Gene: FBN1 (fibrillin 1; minus strand). Cytogenetic location: 15q21.1.
Variant type: Indel.
Coding change: c.1867_1868delinsCT on transcript NM_000138.5 (MANE Select); coding-DNA positions 1867 to 1868, TG replaced by CT.
Protein change: p.Cys623Leu; replaces cysteine 623 with leucine.
Molecular consequence: missense variant.
Genome position (GRCh38, 1-based): chr15:48,505,117-48,505,118, CA replaced by AG on the plus strand (TG replaced by CT on the coding strand, the reverse complement: FBN1 is on the minus strand). VCF-style: chr15-48505117-CA-AG. GRCh37 (hg19) VCF-style: chr15-48797314-CA-AG.
Other names: short protein forms C623L.
Identifiers: ClinVar variation 962809 (VCV000962809.8), dbSNP rs2043697829, ClinGen allele CA1139663977.

ClinVar aggregate classification (germline): Pathogenic (1 of 4 stars; one submission).

Conditions:
Marfan syndrome (MFS). Also called: FBN1-Related Marfan Syndrome; MARFAN SYNDROME, TYPE I; Marfan syndrome type 1; Marfan's syndrome; Marfan syndrome, classic. Identifiers: Orphanet 284963, Orphanet 558, MedGen C0024796, MONDO:0007947, OMIM 154700.
Familial thoracic aortic aneurysm and aortic dissection (TAAD). Also called: Thoracic aortic aneurysms and dissections. Identifiers: Orphanet 91387, MedGen C4707243, MONDO:0019625.

Submission:

Labcorp Genetics (formerly Invitae), Labcorp
Classification: Pathogenic for Marfan syndrome; Familial thoracic aortic aneurysm and aortic dissection. Last evaluated: 2019-07-22. Review status: criteria provided, single submitter. Criteria: Invitae Variant Classification Sherloc (09022015). Collection method: clinical testing. Allele origin: germline.
Comment: For these reasons, this variant has been classified as Pathogenic. This variant disrupts the p.Cys623 amino acid residue in FBN1. Other variant(s) that disrupt this residue have been observed in individuals with FBN1-related conditions (PMID: 11251996, 19293843, Invitae), which suggests that this may be a clinically significant amino acid residue. This variant affects a cysteine residue in the EGF-like, TGFBP or hybrid motif domains of FBN1. Cysteine residues are believed to be involved in intramolecular disulfide bridges and have been shown to be important for FBN1 protein structure (PMID: 16905551, 19349279). In addition, missense substitutions affecting cysteine residues within these domains are significantly overrepresented among patients with Marfan syndrome (PMID: 16571647, 17701892). This variant has not been reported in the literature in individuals with FBN1-related conditions. This variant is not present in population databases (ExAC no frequency). This sequence change replaces cysteine with leucine at codon 623 of the FBN1 protein (p.Cys623Leu). The cysteine residue is highly conserved and there is a large physicochemical difference between cysteine and leucine.

Literature cited by the submitters: PubMed 11251996; PubMed 19293843; PubMed 16905551; PubMed 19349279; PubMed 16571647; PubMed 17701892.